The following is an entry in ClinVar:

ClinVar aggregate classification (germline): Uncertain significance (1 of 4 stars; one submission).

Allele frequency attached by ClinVar (database versions not stated): TOPMed below 0.00001.

Submission:

GeneDx
Classification: Uncertain significance. Last evaluated: 2022-09-26. Review status: criteria provided, single submitter. Criteria: GeneDx Variant Classification Process June 2021. Collection method: clinical testing. Allele origin: germline. Affected: yes.
Comment: Not observed at significant frequency in large population cohorts (gnomAD); In silico analysis supports that this missense variant does not alter protein structure/function; Has not been previously published as pathogenic or benign to our knowledge

NM_001378615.1(CC2D2A):c.4166A>G (p.Asn1389Ser)

Genes: CC2D2A (coiled-coil and C2 domain containing 2A; plus strand), FBXL5 (F-box and leucine rich repeat protein 5; minus strand). Cytogenetic location: 4p15.32.
Variant type: single nucleotide variant.
Coding change: c.4166A>G on transcript NM_001378615.1 (MANE Select); coding-DNA position 4166, A replaced by G.
Protein change: p.Asn1389Ser; replaces asparagine 1389 with serine.
Molecular consequence: missense variant.
Genome position (GRCh38, 1-based): chr4:15,587,916, A>G. VCF-style: chr4-15587916-A-G. GRCh37 (hg19) VCF-style: chr4-15589539-A-G.
Other names: c.4166A>G, p.Asn1389Ser (NM_001080522.2); c.4019A>G, p.Asn1340Ser (NM_001378617.1); short protein forms N1340S, N1389S.
Identifiers: ClinVar variation 2446308 (VCV002446308.1), dbSNP rs1720924860, ClinGen allele CA356429347.
Genomic context (GRCh38, chr4:15,587,916, plus strand): 5'-CAGTACTATTGTGTAATTACTTTCTGTCTCTGGGTAAGAAGGCCTGGCTGTTGATGGGCA[A>G]TGCTATTCCTGAGGTAAGACCACATAGGCTGCCTTTAACAGAGGAGTATAGTTGTCTAAT-3'
Protein context (NP_001365544.1, residues 1379-1399): LGKKAWLLMG[Asn1389Ser]AIPEGPTAYV